The following is an entry in ClinVar:

ClinVar aggregate classification (germline): Uncertain significance (1 of 4 stars; one submission).

Submission:

GeneDx
Classification: Uncertain significance. Last evaluated: 2024-04-11. Review status: criteria provided, single submitter. Criteria: GeneDx Variant Classification Process June 2021. Collection method: clinical testing. Allele origin: germline. Affected: yes.
Comment: Not observed at significant frequency in large population cohorts (gnomAD); In silico analysis indicates that this missense variant does not alter protein structure/function; Has not been previously published as pathogenic or benign to our knowledge.

NM_017780.4(CHD7):c.255G>C (p.Gln85His)

Gene: CHD7 (chromodomain helicase DNA binding protein 7; plus strand). Cytogenetic location: 8q12.2.
Variant type: single nucleotide variant.
Coding change: c.255G>C on transcript NM_017780.4 (MANE Select); coding-DNA position 255, G replaced by C.
Protein change: p.Gln85His; replaces glutamine 85 with histidine.
Molecular consequence: missense variant.
Genome position (GRCh38, 1-based): chr8:60,741,687, G>C. VCF-style: chr8-60741687-G-C. GRCh37 (hg19) VCF-style: chr8-61654246-G-C.
Other names: c.255G>C, p.Gln85His (NM_001316690.1); short protein forms Q85H.
Identifiers: ClinVar variation 3372467 (VCV003372467.1).